The following is an entry in ClinVar:

ClinVar aggregate classification (germline): Uncertain significance (1 of 4 stars; one submission).

Conditions:
Aortic aneurysm, familial thoracic 7 (AAT7). Also called: AORTIC DISSECTION, FAMILIAL, WITH OR WITHOUT AORTIC ANEURYSM. Identifiers: MedGen C3151077, MONDO:0013418, OMIM 613780.

Allele frequency attached by ClinVar (database versions not stated): gnomAD exomes below 0.00001; TOPMed below 0.00001; ExAC 0.00001; ESP Exome Variant Server 0.00008.
gnomAD v4.1: 5 of 1,614,118 alleles (0.00031%); highest among the groups gnomAD compares: Non-Finnish European, 0.00042%; no homozygotes.

Submission:

Labcorp Genetics (formerly Invitae), Labcorp
Classification: Uncertain significance for Aortic aneurysm, familial thoracic 7. Last evaluated: 2023-11-02. Review status: criteria provided, single submitter. Criteria: Invitae Variant Classification Sherloc (09022015). Collection method: clinical testing. Allele origin: germline.
Comment: This sequence change replaces alanine, which is neutral and non-polar, with threonine, which is neutral and polar, at codon 1884 of the MYLK protein (p.Ala1884Thr). This variant is present in population databases (rs149339426, gnomAD 0.002%). This missense change has been observed in individual(s) with thoracic aortic aneurysm and dissection (TAAD) (PMID: 29543232). ClinVar contains an entry for this variant (Variation ID: 1039812). Advanced modeling of protein sequence and biophysical properties (such as structural, functional, and spatial information, amino acid conservation, physicochemical variation, residue mobility, and thermodynamic stability) performed at Invitae indicates that this missense variant is not expected to disrupt MYLK protein function with a negative predictive value of 80%. In summary, the available evidence is currently insufficient to determine the role of this variant in disease. Therefore, it has been classified as a Variant of Uncertain Significance.

Literature cited by the submitters: PubMed 29543232.

NM_053025.4(MYLK):c.5650G>A (p.Ala1884Thr)

Genes: MYLK-AS1 (MYLK antisense RNA 1; plus strand), MYLK (myosin light chain kinase; minus strand). Cytogenetic location: 3q21.1.
Variant type: single nucleotide variant.
Coding change: c.5650G>A on transcript NM_053025.4 (MANE Select); coding-DNA position 5650, G replaced by A.
Protein change: p.Ala1884Thr; replaces alanine 1884 with threonine.
Molecular consequence: missense variant.
Genome position (GRCh38, 1-based): chr3:123,614,200, C>T on the plus strand (G>A on the coding strand, the complement: MYLK is on the minus strand). VCF-style: chr3-123614200-C-T. GRCh37 (hg19) VCF-style: chr3-123333047-C-T.
Other names: c.5122G>A, p.Ala1708Thr (NM_001321309.2); c.5443G>A, p.Ala1815Thr (NM_053026.4); c.5497G>A, p.Ala1833Thr (NM_053027.4); c.5290G>A, p.Ala1764Thr (NM_053028.4); c.367G>A, p.Ala123Thr (NM_053031.4); c.370G>A, p.Ala124Thr (NM_053032.4); short protein forms A124T, A1708T, A1833T, A123T, A1815T, A1884T, A1764T.
Identifiers: ClinVar variation 1039812 (VCV001039812.8), dbSNP rs149339426, ClinGen allele CA073167.